The following is an entry in ClinVar:

NM_000260.4(MYO7A):c.5169-5G>A

Gene: MYO7A (myosin VIIA; plus strand). Cytogenetic location: 11q13.5.
Variant type: single nucleotide variant.
Coding change: c.5169-5G>A on transcript NM_000260.4 (MANE Select); 5 bases into the intron before coding-DNA position 5169, G replaced by A.
Molecular consequence: intron variant.
Genome position (GRCh38, 1-based): chr11:77,203,055, G>A. VCF-style: chr11-77203055-G-A. GRCh37 (hg19) VCF-style: chr11-76914100-G-A.
Other names: c.5022-5G>A (NM_001369365.1); c.5055-5G>A (NM_001127180.2).
Identifiers: ClinVar variation 179936 (VCV000179936.20), dbSNP rs727505232, ClinGen allele CA185464.

ClinVar aggregate classification (germline): Conflicting classifications of pathogenicity. Review status: criteria provided, conflicting classifications (1 of 4 stars). 6 submissions from 6 submitters: Uncertain significance (2); Benign (1); Likely benign (1). 2 of the submissions do not count toward it. Last evaluated 2026-01-18.

Conditions:
MYO7A-related disorder. Also called: MYO7A-related disorders.
Usher syndrome type 1B (USH1B). Also called: Usher syndrome type IB. Identifiers: MedGen C1848638, MONDO:0700087.

Allele frequency attached by ClinVar (database versions not stated): TOPMed 0.00002; gnomAD exomes 0.00013 and 0.00034; ExAC 0.00111.
gnomAD v4.1: 182 of 1,547,596 alleles (0.012%); highest among the groups gnomAD compares: South Asian, 0.16%; 2 homozygotes.

Submissions (6):

Labcorp Genetics (formerly Invitae), Labcorp
Classification: Benign. Last evaluated: 2026-01-18. Review status: criteria provided, single submitter. Criteria: Invitae Variant Classification Sherloc (09022015). Collection method: clinical testing. Allele origin: germline.

Blueprint Genetics
Classification: Likely benign. Last evaluated: 2024-11-21. Review status: criteria provided, single submitter. Criteria: ACMG Guidelines, 2015. Collection method: clinical testing. Allele origin: germline.

GeneDx
Classification: Uncertain significance. Last evaluated: 2022-08-11. Review status: criteria provided, single submitter. Criteria: GeneDx Variant Classification Process June 2021. Collection method: clinical testing. Allele origin: germline. Affected: yes.
Comment: In silico analysis supports a deleterious effect on splicing; Has not been previously published as pathogenic or benign to our knowledge

Laboratory for Molecular Medicine, Mass General Brigham Personalized Medicine
Classification: Uncertain significance. Last evaluated: 2014-09-09. Review status: criteria provided, single submitter. Criteria: LMM Criteria. Collection method: clinical testing. Allele origin: germline. Observed: 1 variant allele.
Comment: The 5169-5G>T variant in MYO7A has not been previously reported in individuals w ith hearing loss. Data from large population studies is insufficient to assess t he frequency of this variant. This variant is located in the 3' splice region. C omputational tools suggest an impact to splicing; however, this information is n ot predictive enough to determine pathogenicity. In summary, the clinical signif icance of the 5169-5G>A variant is uncertain.

PreventionGenetics, part of Exact Sciences
Classification: Likely benign for MYO7A-related condition. Last evaluated: 2023-08-16. Review status: no assertion criteria provided. Collection method: clinical testing. Allele origin: germline. Not counted in ClinVar's aggregate classification.
Comment: This variant is classified as likely benign based on ACMG/AMP sequence variant interpretation guidelines (Richards et al. 2015 PMID: 25741868, with internal and published modifications).

Natera, Inc.
Classification: Uncertain significance for Usher syndrome type 1B. Last evaluated: 2020-04-17. Review status: no assertion criteria provided. Collection method: clinical testing. Allele origin: germline. Not counted in ClinVar's aggregate classification.